The following is an entry in ClinVar:

NM_003331.5(TYK2):c.3096C>A (p.Asp1032Glu)

Gene: TYK2 (tyrosine kinase 2; minus strand). Cytogenetic location: 19p13.2.
Variant type: single nucleotide variant.
Coding change: c.3096C>A on transcript NM_003331.5 (MANE Select); coding-DNA position 3096, C replaced by A.
Protein change: p.Asp1032Glu; replaces aspartic acid 1032 with glutamic acid.
Molecular consequence: missense variant.
Genome position (GRCh38, 1-based): chr19:10,353,030, G>T on the plus strand (C>A on the coding strand, the complement: TYK2 is on the minus strand). VCF-style: chr19-10353030-G-T. GRCh37 (hg19) VCF-style: chr19-10463706-G-T.
Other names: c.3096C>A, p.Asp1032Glu (NM_001385197.1, NM_001385198.1); c.2910C>A, p.Asp970Glu (NM_001385199.1); c.3093C>A, p.Asp1031Glu (NM_001385200.1); c.2898C>A, p.Asp966Glu (NM_001385201.1); c.3012C>A, p.Asp1004Glu (NM_001385202.1); c.3177C>A, p.Asp1059Glu (NM_001385203.1); c.3306C>A, p.Asp1102Glu (NM_001385204.1); c.3006C>A, p.Asp1002Glu (NM_001385205.1); and 2 more; short protein forms D1026E, D1002E, D1032E, D970E, D990E, D1031E, D1059E, D1102E.
Identifiers: ClinVar variation 1378252 (VCV001378252.8), dbSNP rs763514629, ClinGen allele CA403983809.

ClinVar aggregate classification (germline): Uncertain significance (1 of 4 stars; one submission).

Conditions:
Immunodeficiency 35 (IMD35). Also called: TYK2 DEFICIENCY; Susceptibility to infection due to TYK2 deficiency; HIES WITH ATYPICAL MYCOBACTERIOSIS, AUTOSOMAL RECESSIVE; HYPER-IgE SYNDROME WITH ATYPICAL MYCOBACTERIOSIS, AUTOSOMAL RECESSIVE. Identifiers: Orphanet 331226, MedGen C1969086, MONDO:0012682, OMIM 611521.

Submission:

Labcorp Genetics (formerly Invitae), Labcorp
Classification: Uncertain significance for Immunodeficiency 35. Last evaluated: 2022-08-16. Review status: criteria provided, single submitter. Criteria: Invitae Variant Classification Sherloc (09022015). Collection method: clinical testing. Allele origin: germline.
Comment: This variant is not present in population databases (gnomAD no frequency). This sequence change replaces aspartic acid, which is acidic and polar, with glutamic acid, which is acidic and polar, at codon 1032 of the TYK2 protein (p.Asp1032Glu). In summary, the available evidence is currently insufficient to determine the role of this variant in disease. Therefore, it has been classified as a Variant of Uncertain Significance. Algorithms developed to predict the effect of missense changes on protein structure and function output the following: SIFT: "Not Available"; PolyPhen-2: "Benign"; Align-GVGD: "Not Available". The glutamic acid amino acid residue is found in multiple mammalian species, which suggests that this missense change does not adversely affect protein function. ClinVar contains an entry for this variant (Variation ID: 1378252). This variant has not been reported in the literature in individuals affected with TYK2-related conditions.